The following is an entry in ClinVar:

NM_000494.4(COL17A1):c.2971G>A (p.Val991Met)

Gene: COL17A1 (collagen type XVII alpha 1 chain; minus strand). Cytogenetic location: 10q25.1.
Variant type: single nucleotide variant.
Coding change: c.2971G>A on transcript NM_000494.4 (MANE Select); coding-DNA position 2971, G replaced by A.
Protein change: p.Val991Met; replaces valine 991 with methionine.
Molecular consequence: missense variant.
Genome position (GRCh38, 1-based): chr10:104,038,505, C>T on the plus strand (G>A on the coding strand, the complement: COL17A1 is on the minus strand). VCF-style: chr10-104038505-C-T. GRCh37 (hg19) VCF-style: chr10-105798263-C-T.
Other names: c.2971G>A, p.Val991Met (LRG_1249t1); short protein forms V991M.
Identifiers: ClinVar variation 225319 (VCV000225319.15), dbSNP rs138824013, ClinGen allele CA5678145.
Genomic context (GRCh38, chr10:104,038,505, plus strand): 5'-CAGAGCTGCTGATAGAGCCCGGAGGCCCAGGGGGCCCAGGGGGCCCTGGCGGGCCTGACA[C>T]GTACATGGTACTTGATGATCCCCCTGCAGCAAAGAGAAAGCGTCCTGTGTCGGTTTCTCC-3'
Protein context (NP_000485.3, residues 981-1001): SEGGSSSTMY[Val991Met]SGPPGPPGPP

ClinVar aggregate classification (germline): Conflicting classifications of pathogenicity. Review status: criteria provided, conflicting classifications (1 of 4 stars). 4 submissions from 4 submitters: Uncertain significance (2); Benign (1). 1 of the submissions does not count toward it. Last evaluated 2026-01-24.

Conditions:
COL17A1-related disorder. Also called: COL17A1-related condition.
Junctional epidermolysis bullosa, non-Herlitz type. Also called: Epidermolysis bullosa, junctional, non-herlitz type, somatic mosaic revertant; COL17A1-Related Junctional Epidermolysis Bullosa; EPIDERMOLYSIS BULLOSA, JUNCTIONAL 1A, INTERMEDIATE; EPIDERMOLYSIS BULLOSA JUNCTIONALIS, DISENTIS TYPE; EPIDERMOLYSIS BULLOSA JUNCTIONALIS, NON-HERLITZ TYPE; EPIDERMOLYSIS BULLOSA JUNCTIONALIS, PROGRESSIVE. Identifiers: Orphanet 251393, Orphanet 79402, Orphanet 79405, Orphanet 89840, MedGen C0268374, MONDO:0009180, OMIM 226650.

Allele frequency attached by ClinVar (database versions not stated): gnomAD exomes 0.00051 and 0.00116; TOPMed 0.00056; gnomAD 0.00065 and 0.00068; ExAC 0.00083; ESP Exome Variant Server 0.00092.
gnomAD v4.1: 926 of 1,613,312 alleles (0.057%); highest among the groups gnomAD compares: Admixed American, 0.018%; 13 homozygotes.

Submissions (5):

Labcorp Genetics (formerly Invitae), Labcorp
Classification: Benign. Last evaluated: 2026-01-24. Review status: criteria provided, single submitter. Criteria: Invitae Variant Classification Sherloc (09022015). Collection method: clinical testing. Allele origin: germline.

Illumina Laboratory Services, Illumina
Classification: Uncertain significance for Junctional epidermolysis bullosa, non-Herlitz type. Last evaluated: 2017-04-27. Review status: criteria provided, single submitter. Criteria: ICSL Variant Classification Criteria 13 December 2019. Collection method: clinical testing. Allele origin: germline.

Soonchunhyang University Bucheon Hospital, Soonchunhyang University Medical Center
Classification: Uncertain significance for Junctional epidermolysis bullosa, non-Herlitz type. Last evaluated: 2016-03-18. Review status: criteria provided, single submitter. Criteria: ACMG Guidelines, 2015. Collection method: reference population. Allele origin: germline. Observed: 1 variant allele.

PreventionGenetics, part of Exact Sciences
Classification: Likely benign for COL17A1-related condition. Last evaluated: 2020-05-05. Review status: no assertion criteria provided. Collection method: clinical testing. Allele origin: germline. Not counted in ClinVar's aggregate classification.
Comment: This variant is classified as likely benign based on ACMG/AMP sequence variant interpretation guidelines (Richards et al. 2015 PMID: 25741868, with internal and published modifications).

Dr. Peter K. Rogan Lab, Western University
No classification provided (evidence only). Condition: Thyroid cancer, nonmedullary, 1. Review status: no classification provided. Collection method: in vitro. Allele origin: not applicable. Functional consequence: retained intron. Not counted in ClinVar's aggregate classification.

Literature cited by the submitters: PubMed 9583744 (cited by Soonchunhyang University Bucheon Hospital, Soonchunhyang University Medical Center).